The following is an entry in ClinVar:

ClinVar aggregate classification (germline): Uncertain significance. Review status: criteria provided, multiple submitters, no conflicts (2 of 4 stars). 3 submissions from 3 submitters: Uncertain significance (3). Last evaluated 2024-05-03.

Conditions:
Polycystic kidney disease 4 (PKD4). Also called: Autosomal Recessive Polycystic Kidney Disease – PKHD1; PKD3; POLYCYSTIC KIDNEY AND HEPATIC DISEASE 1; POLYCYSTIC KIDNEY DISEASE, INFANTILE, TYPE I; POLYCYSTIC KIDNEY DISEASE 4 WITH OR WITHOUT POLYCYSTIC LIVER DISEASE. Identifiers: MedGen C4540575, MONDO:0033004, OMIM 263200.
Autosomal recessive polycystic kidney disease (ARPKD). Also called: AR polycystic kidney disease. Identifiers: Orphanet 731, Orphanet 8378, MedGen C0085548, MeSH D017044, MONDO:0009889.

Allele frequency attached by ClinVar (database versions not stated): gnomAD exomes below 0.00001; ExAC 0.00002; gnomAD 0.00002; TOPMed 0.00006.
gnomAD v4.1: 6 of 1,613,284 alleles (0.00037%); highest among the groups gnomAD compares: African/African-American, 0.008%; no homozygotes.

Submissions (3):

Fulgent Genetics
Classification: Uncertain significance for Polycystic kidney disease 4. Last evaluated: 2024-05-03. Review status: criteria provided, single submitter. Criteria: ACMG Guidelines, 2015. Collection method: clinical testing. Allele origin: germline.

Labcorp Genetics (formerly Invitae), Labcorp
Classification: Uncertain significance for Autosomal recessive polycystic kidney disease. Last evaluated: 2021-09-17. Review status: criteria provided, single submitter. Criteria: Invitae Variant Classification Sherloc (09022015). Collection method: clinical testing. Allele origin: germline.
Comment: This sequence change replaces alanine with serine at codon 3847 of the PKHD1 protein (p.Ala3847Ser). The alanine residue is weakly conserved and there is a moderate physicochemical difference between alanine and serine. This variant is present in population databases (rs769135174, ExAC 0.02%). This variant has not been reported in the literature in individuals with PKHD1-related conditions. ClinVar contains an entry for this variant (Variation ID: 499367). Algorithms developed to predict the effect of missense changes on protein structure and function (SIFT, PolyPhen-2, Align-GVGD) all suggest that this variant is likely to be tolerated, but these predictions have not been confirmed by published functional studies and their clinical significance is uncertain. In summary, the available evidence is currently insufficient to determine the role of this variant in disease. Therefore, it has been classified as a Variant of Uncertain Significance.

Eurofins Ntd Llc (ga)
Classification: Uncertain significance. Last evaluated: 2016-12-22. Review status: criteria provided, single submitter. Criteria: EGL Classification Definitions 2015. Collection method: clinical testing. Allele origin: germline. Observed: 1 variant allele, 1 heterozygote.

NM_138694.4(PKHD1):c.11539G>T (p.Ala3847Ser)

Gene: PKHD1 (PKHD1 ciliary IPT domain containing fibrocystin/polyductin; minus strand). Cytogenetic location: 6p12.3.
Variant type: single nucleotide variant.
Coding change: c.11539G>T on transcript NM_138694.4 (MANE Select); coding-DNA position 11539, G replaced by T.
Protein change: p.Ala3847Ser; replaces alanine 3847 with serine.
Molecular consequence: missense variant.
Genome position (GRCh38, 1-based): chr6:51,632,691, C>A on the plus strand (G>T on the coding strand, the complement: PKHD1 is on the minus strand). VCF-style: chr6-51632691-C-A. GRCh37 (hg19) VCF-style: chr6-51497489-C-A.
Other names: short protein forms A3847S.
Identifiers: ClinVar variation 499367 (VCV000499367.12), dbSNP rs769135174, ClinGen allele CA3850790.